The following is an entry in ClinVar:

ClinVar aggregate classification (germline): Likely pathogenic (1 of 4 stars; one submission).

Conditions:
Ogden syndrome (OGDNS). Also called: N-TERMINAL ACETYLTRANSFERASE DEFICIENCY. Identifiers: Orphanet 276432, MedGen C3275447, MONDO:0010457, OMIM 300855.

Submission:

Laboratory of Medical Genetics, National & Kapodistrian University of Athens
Classification: Likely pathogenic for Ogden syndrome. Last evaluated: 2018-05-17. Review status: criteria provided, single submitter. Criteria: ACMG Guidelines, 2015. Collection method: clinical testing. Allele origin: de novo. Affected: yes.
Comment: PM1,PM2,PP2,PP3

NM_003491.4(NAA10):c.115C>A (p.Pro39Thr)

Gene: NAA10 (N-alpha-acetyltransferase 10, NatA catalytic subunit; minus strand). Cytogenetic location: Xq28.
Variant type: single nucleotide variant.
Coding change: c.115C>A on transcript NM_003491.4 (MANE Select); coding-DNA position 115, C replaced by A.
Protein change: p.Pro39Thr; replaces proline 39 with threonine.
Molecular consequence: missense variant.
Genome position (GRCh38, 1-based): chrX:153,934,382, G>T on the plus strand (C>A on the coding strand, the complement: NAA10 is on the minus strand). VCF-style: chrX-153934382-G-T. GRCh37 (hg19) VCF-style: chrX-153199835-G-T.
Other names: c.115C>A, p.Pro39Thr (NM_001256119.2, NM_001256120.2); short protein forms P39T.
Identifiers: ClinVar variation 637034 (VCV000637034.1), dbSNP rs1603290816, ClinGen allele CA415161746.